The following is an entry in ClinVar:

ClinVar aggregate classification (germline): Uncertain significance (1 of 4 stars; one submission).

Conditions:
Hereditary cancer-predisposing syndrome. Also called: Hereditary Cancer Syndrome; Neoplastic Syndromes, Hereditary; Tumor predisposition; Hereditary neoplastic syndrome. Identifiers: Orphanet 140162, MedGen C0027672, MeSH D009386, MONDO:0015356.

Submission:

Ambry Genetics
Classification: Uncertain significance for Hereditary cancer-predisposing syndrome. Last evaluated: 2022-04-28. Review status: criteria provided, single submitter. Criteria: Ambry Variant Classification Scheme 2023. Collection method: clinical testing. Allele origin: germline.
Comment: The p.E1599K variant (also known as c.4795G>A), located in coding exon 33 of the SMARCA4 gene, results from a G to A substitution at nucleotide position 4795. The glutamic acid at codon 1599 is replaced by lysine, an amino acid with similar properties. This amino acid position is highly conserved in available vertebrate species. In addition, this alteration is predicted to be tolerated by in silico analysis. Missense and in-frame variants in SMARCA4 are known to cause neurodevelopmental disorders; however, such associations with rhabdoid tumor predisposition syndrome including small cell carcinoma of the ovary-hypercalcemic type (SCCOHT) are exceedingly rare (Kosho T et al. Am J Med Genet C Semin Med Genet. 2014 Sep;166C(3):262-75; Jelinic P et al. Nat Genet. 2014 May;46(5):424-6). Based on the supporting evidence, the association of this alteration with Coffin-Siris syndrome is unknown; however, the association of this alteration with rhabdoid tumor predisposition syndrome is unlikely.

NM_003072.5(SMARCA4):c.4699G>A (p.Glu1567Lys)

Gene: SMARCA4 (SWI/SNF related BAF chromatin remodeling complex subunit ATPase 4; plus strand). Cytogenetic location: 19p13.2.
Variant type: single nucleotide variant.
Coding change: c.4699G>A on transcript NM_003072.5 (MANE Select); coding-DNA position 4699, G replaced by A.
Protein change: p.Glu1567Lys; replaces glutamic acid 1567 with lysine.
Molecular consequence: missense variant. On other transcripts: non-coding transcript variant (1).
Genome position (GRCh38, 1-based): chr19:11,059,816, G>A. VCF-style: chr19-11059816-G-A. GRCh37 (hg19) VCF-style: chr19-11170492-G-A.
Other names: c.4699G>A, p.Glu1567Lys (NM_001128844.3); c.4609G>A, p.Glu1537Lys (NM_001128845.2); c.4606G>A, p.Glu1536Lys (NM_001128846.2); c.4600G>A, p.Glu1534Lys (NM_001128847.4, NM_001374457.1); c.4597G>A, p.Glu1533Lys (NM_001128848.2); c.4795G>A, p.Glu1599Lys (NM_001128849.3, NM_001387283.1); c.4696G>A, p.Glu1566Lys (NM_001411150.1); short protein forms E1533K, E1536K, E1537K, E1599K, E1534K, E1567K, E1566K.
Identifiers: ClinVar variation 1743128 (VCV001743128.2), dbSNP rs2147114704, ClinGen allele CA404079431.